The following is an entry in ClinVar:

ClinVar aggregate classification (germline): Likely benign (0 of 4 stars; one submission).

Conditions:
MYH9-related disorder. Identifiers: MedGen C1854520.

gnomAD v4.1: 9 of 1,613,748 alleles (0.00056%); highest among the groups gnomAD compares: East Asian, 0.0022%; no homozygotes.

Submission:

PreventionGenetics, part of Exact Sciences
Classification: Likely benign for MYH9-related condition. Last evaluated: 2024-08-07. Review status: no assertion criteria provided. Collection method: clinical testing. Allele origin: germline.
Comment: This variant is classified as likely benign based on ACMG/AMP sequence variant interpretation guidelines (Richards et al. 2015 PMID: 25741868, with internal and published modifications).

NM_002473.6(MYH9):c.1335C>T (p.Ala445=)

Gene: MYH9 (myosin heavy chain 9; minus strand). Cytogenetic location: 22q12.3.
Variant type: single nucleotide variant.
Coding change: c.1335C>T on transcript NM_002473.6 (MANE Select); coding-DNA position 1335, C replaced by T.
Protein change: p.Ala445=; no amino-acid change (alanine 445 retained).
Molecular consequence: synonymous variant.
Genome position (GRCh38, 1-based): chr22:36,316,562, G>A on the plus strand (C>T on the coding strand, the complement: MYH9 is on the minus strand). VCF-style: chr22-36316562-G-A. GRCh37 (hg19) VCF-style: chr22-36712607-G-A.
Identifiers: ClinVar variation 3348967 (VCV003348967.1).
Genomic context (GRCh38, chr22:36,316,562, plus strand): 5'-AAGGGCAAGGCTCACATCAAAGATCTCGAAGCCGGCAATGTCCAGGATCCCGATGAAGGA[G>A]GCGCCCTGCCTCTTGGTCTTGTCCAGAGCCTTGTTGATGCGCAGCACCAGCCAGCGGAAC-3'
Protein context (NP_002464.1, residues 435-455): KALDKTKRQG[Ala445=]SFIGILDIAG